The following is an entry in ClinVar:

NM_020937.4(FANCM):c.420G>A (p.Met140Ile)

Gene: FANCM (FA complementation group M; plus strand). Cytogenetic location: 14q21.2.
Variant type: single nucleotide variant.
Coding change: c.420G>A on transcript NM_020937.4 (MANE Select); coding-DNA position 420, G replaced by A.
Protein change: p.Met140Ile; replaces methionine 140 with isoleucine.
Molecular consequence: missense variant.
Genome position (GRCh38, 1-based): chr14:45,136,451, G>A. VCF-style: chr14-45136451-G-A. GRCh37 (hg19) VCF-style: chr14-45605654-G-A.
Other names: c.420G>A (NM_020937.2); c.420G>A, p.Met140Ile (NM_001308133.2, NM_001308134.2); short protein forms M140I.
Identifiers: ClinVar variation 1471910 (VCV001471910.11), dbSNP rs1329485751, ClinGen allele CA389588191.
Genomic context (GRCh38, chr14:45,136,451, plus strand): 5'-TGCCGCCGTGGTCATGTACAATTTCTACCGCTGGTTCCCTTCAGGAAAGGTGGTCTTCAT[G>A]GCCCCAACGAAACCCTTGGTGACACAGCAGATCGAGGCTTGCTACCAGGTGATGGGTATC-3'
Protein context (NP_065988.1, residues 130-150): RWFPSGKVVF[Met140Ile]APTKPLVTQQ

ClinVar aggregate classification (germline): Uncertain significance. Review status: criteria provided, multiple submitters, no conflicts (2 of 4 stars). 3 submissions from 3 submitters: Uncertain significance (3). Last evaluated 2024-04-29.

Conditions:
Fanconi anemia (FA). Also called: Fanconi's anemia. Identifiers: Orphanet 84, MedGen C0015625, MeSH D005199, MONDO:0019391.

Allele frequency attached by ClinVar (database versions not stated): TOPMed 0.00001.

Submissions (3):

Labcorp Genetics (formerly Invitae), Labcorp
Classification: Uncertain significance for Fanconi anemia. Last evaluated: 2024-04-29. Review status: criteria provided, single submitter. Criteria: Invitae Variant Classification Sherloc (09022015). Collection method: clinical testing. Allele origin: germline.
Comment: This sequence change replaces methionine, which is neutral and non-polar, with isoleucine, which is neutral and non-polar, at codon 140 of the FANCM protein (p.Met140Ile). This variant is not present in population databases (gnomAD no frequency). This variant has not been reported in the literature in individuals affected with FANCM-related conditions. ClinVar contains an entry for this variant (Variation ID: 1471910). An algorithm developed to predict the effect of missense changes on protein structure and function (PolyPhen-2) suggests that this variant is likely to be tolerated. In summary, the available evidence is currently insufficient to determine the role of this variant in disease. Therefore, it has been classified as a Variant of Uncertain Significance.

GeneDx
Classification: Uncertain significance. Last evaluated: 2022-11-01. Review status: criteria provided, single submitter. Criteria: GeneDx Variant Classification Process June 2021. Collection method: clinical testing. Allele origin: germline. Affected: yes.
Comment: Not observed at significant frequency in large population cohorts (gnomAD); In silico analysis supports that this missense variant has a deleterious effect on protein structure/function; Has not been previously published as pathogenic or benign to our knowledge

Quest Diagnostics Nichols Institute San Juan Capistrano
Classification: Uncertain significance. Last evaluated: 2021-08-30. Review status: criteria provided, single submitter. Criteria: Quest Diagnostics criteria. Collection method: clinical testing. Allele origin: unknown.